The following is an entry in ClinVar:

ClinVar aggregate classification (germline): Benign/Likely benign. Review status: criteria provided, multiple submitters, no conflicts (2 of 4 stars). 3 submissions from 3 submitters: Benign (2); Likely benign (1). Last evaluated 2024-07-01.

Allele frequency attached by ClinVar (database versions not stated): 1000 Genomes Project 0.00379; 1000 Genomes Project 30x 0.00406; gnomAD 0.00565 and 0.00569; ESP Exome Variant Server 0.00649; TOPMed 0.00676; ExAC 0.00732.
gnomAD v4.1: 11,478 of 1,542,668 alleles (0.74%); highest among the groups gnomAD compares: Middle Eastern, 1.5%; 65 homozygotes.

Submissions (3):

CeGaT Center for Human Genetics Tuebingen
Classification: Likely benign. Last evaluated: 2024-07-01. Review status: criteria provided, single submitter. Criteria: CeGaT Center For Human Genetics Tuebingen Variant Classification Criteria Version 2. Collection method: clinical testing. Allele origin: germline. Affected: yes. Observed: 2 variant alleles.
Comment: RBM33: BP4, BS2

Labcorp Genetics (formerly Invitae), Labcorp
Classification: Benign. Last evaluated: 2018-06-08. Review status: criteria provided, single submitter. Criteria: Invitae Variant Classification Sherloc (09022015). Collection method: clinical testing. Allele origin: germline.

Breakthrough Genomics
Classification: Benign. Review status: criteria provided, single submitter. Criteria: ACMG Guidelines, 2015. Collection method: not provided. Allele origin: germline. Inheritance: Unknown mechanism. Affected: yes.

NM_053043.3(RBM33):c.1738-4G>A

Gene: RBM33 (RNA binding motif protein 33; plus strand). Cytogenetic location: 7q36.3.
Variant type: single nucleotide variant.
Coding change: c.1738-4G>A on transcript NM_053043.3 (MANE Select); 4 bases into the intron before coding-DNA position 1738, G replaced by A.
Molecular consequence: intron variant.
Genome position (GRCh38, 1-based): chr7:155,739,711, G>A. VCF-style: chr7-155739711-G-A. GRCh37 (hg19) VCF-style: chr7-155532405-G-A.
Identifiers: ClinVar variation 773906 (VCV000773906.28), dbSNP rs117718054, ClinGen allele CA4586351.